The following is an entry in ClinVar:

ClinVar aggregate classification (germline): Likely benign (0 of 4 stars; one submission).

Conditions:
IFT172-related disorder. Also called: IFT172-related disorders; IFT172-related condition.

gnomAD v4.1: 2 of 1,613,930 alleles (0.00012%); highest among the groups gnomAD compares: Non-Finnish European, 0.00017%; no homozygotes.

Submission:

PreventionGenetics, part of Exact Sciences
Classification: Likely benign for IFT172-related condition. Last evaluated: 2022-08-09. Review status: no assertion criteria provided. Collection method: clinical testing. Allele origin: germline.
Comment: This variant is classified as likely benign based on ACMG/AMP sequence variant interpretation guidelines (Richards et al. 2015 PMID: 25741868, with internal and published modifications).

NM_015662.3(IFT172):c.2442+6C>T

Gene: IFT172 (intraflagellar transport 172; minus strand). Cytogenetic location: 2p23.3.
Variant type: single nucleotide variant.
Coding change: c.2442+6C>T on transcript NM_015662.3 (MANE Select); 6 bases into the intron after coding-DNA position 2442, C replaced by T.
Molecular consequence: intron variant.
Genome position (GRCh38, 1-based): chr2:27,461,263, G>A on the plus strand (C>T on the coding strand, the complement: IFT172 is on the minus strand). VCF-style: chr2-27461263-G-A. GRCh37 (hg19) VCF-style: chr2-27684130-G-A.
Other names: c.2376+6C>T (NM_001410739.1).
Identifiers: ClinVar variation 3353646 (VCV003353646.1).